The following is an entry in ClinVar:

NM_001754.5(RUNX1):c.396G>A (p.Val132=)

Genes: RUNX1-AS1 (RUNX1 antisense RNA 1; plus strand), RUNX1 (RUNX family transcription factor 1; minus strand). Cytogenetic location: 21q22.12.
Variant type: single nucleotide variant.
Coding change: c.396G>A on transcript NM_001754.5 (MANE Select); coding-DNA position 396, G replaced by A.
Protein change: p.Val132=; no amino-acid change (valine 132 retained).
Molecular consequence: synonymous variant.
Genome position (GRCh38, 1-based): chr21:34,880,669, C>T on the plus strand (G>A on the coding strand, the complement: RUNX1 is on the minus strand). VCF-style: chr21-34880669-C-T. GRCh37 (hg19) VCF-style: chr21-36252966-C-T.
Other names: NM_001754.5(RUNX1):c.396G>A; p.Val132=; c.315G>A, p.Val105= (NM_001001890.3, NM_001122607.2).
Identifiers: ClinVar variation 3436403 (VCV003436403.2).

ClinVar aggregate classification (germline): Likely benign. Review status: reviewed by expert panel (3 of 4 stars). 2 submissions from 2 submitters: Likely benign (1). 1 of the submissions does not count toward it. Last evaluated 2025-03-26.

Conditions:
Inborn genetic diseases. Identifiers: MedGen C0950123, MeSH D030342.
Hereditary thrombocytopenia and hematologic cancer predisposition syndrome. Identifiers: Orphanet 71290, MedGen CN281654, MONDO:0011071.

Submissions (2):

ClinGen Myeloid Malignancy Variant Curation Expert Panel
Classification: Likely benign for Hereditary thrombocytopenia and hematologic cancer predisposition syndrome. Last evaluated: 2025-03-26. Review status: reviewed by expert panel. Criteria: ClinGen MyeloMalig ACMG Specifications v2. Collection method: curation. Allele origin: germline. Inheritance: Autosomal dominant inheritance.
Comment: NM_001754.5(RUNX1):c.396G>A (p.Val132=) is a synonymous variant which is completely absent from all population databases with at least 20x coverage for RUNX1 (PM2_supporting). This variant has a SpliceAI score ≤ 0.20 (0.01) and evolutionary conservation algorithms predict the site as not being conserved (PhyloP score ≤ 2.0 [-0.65]) (BP4, BP7). In summary, this variant meets criteria to be classified as likely benign. ACMG/AMP criteria applied, as specified by the Myeloid Malignancy Variant Curation Expert Panel for RUNX1: BP4, BP7, PM2_supporting. Bayesian analysis calculates this variant as likely benign.

Ambry Genetics
Classification: Likely benign for Inborn genetic diseases. Last evaluated: 2024-11-20. Review status: criteria provided, single submitter. Criteria: Ambry Variant Classification Scheme 2023. Collection method: clinical testing. Allele origin: germline. Not counted in ClinVar's aggregate classification.